The following is an entry in ClinVar:

ClinVar aggregate classification (germline): Uncertain significance (1 of 4 stars; one submission).

Conditions:
Holoprosencephaly 11 (HPE11). Identifiers: Orphanet 2162, MedGen C3280215, MONDO:0013642, OMIM 614226.

Submission:

Labcorp Genetics (formerly Invitae), Labcorp
Classification: Uncertain significance for Holoprosencephaly 11. Last evaluated: 2019-07-30. Review status: criteria provided, single submitter. Criteria: Invitae Variant Classification Sherloc (09022015). Collection method: clinical testing. Allele origin: germline.
Comment: In summary, the available evidence is currently insufficient to determine the role of this variant in disease. Therefore, it has been classified as a Variant of Uncertain Significance. The current clinical and genetic evidence is not sufficient to establish whether loss-of-function variants in CDON cause disease. This variant has not been reported in the literature in individuals with CDON-related conditions. This variant is not present in population databases (ExAC no frequency). This sequence change creates a premature translational stop signal (p.Tyr801Asnfs*28) in the CDON gene. It is expected to result in an absent or disrupted protein product.

NM_001378964.1(CDON):c.2400_2401insAA (p.Tyr801fs)

Gene: CDON (cell adhesion associated, oncogene regulated; minus strand). Cytogenetic location: 11q24.2.
Variant type: Insertion.
Coding change: c.2400_2401insAA on transcript NM_001378964.1 (MANE Select); coding-DNA positions 2400 to 2401, AA inserted.
Protein change: p.Tyr801fs; shifts the reading frame from tyrosine 801.
Molecular consequence: frameshift variant.
Genome position: GRCh38 VCF-style: chr11-125995014-A-ATT. GRCh37 (hg19) VCF-style: chr11-125864909-A-ATT.
Other names: c.2400_2401insAA, p.Tyr801Asnfs (NM_001243597.3, NM_016952.6); short protein forms Y801fs.
Identifiers: ClinVar variation 951372 (VCV000951372.7), dbSNP rs1946741419, ClinGen allele CA1139662438.